The following is an entry in ClinVar:

ClinVar aggregate classification (germline): Uncertain significance (1 of 4 stars; one submission).

Conditions:
SLITRK6-related disorder. Also called: SLITRK6-related condition.

Submission:

PreventionGenetics, part of Exact Sciences
Classification: Uncertain significance for SLITRK6-related condition. Last evaluated: 2026-04-20. Review status: criteria provided, single submitter. Criteria: ACMG Guidelines, 2015. Collection method: clinical testing. Allele origin: germline.
Comment: The SLITRK6 c.1267C>G variant is predicted to result in the amino acid substitution p.Leu423Val. To our knowledge, this variant has not been reported in the literature or in a large population database (gnomAD), indicating this variant is rare. At this time, the clinical significance of this variant is uncertain due to the absence of conclusive functional and genetic evidence.

NM_032229.3(SLITRK6):c.1267C>G (p.Leu423Val)

Gene: SLITRK6 (SLIT and NTRK like family member 6; minus strand). Cytogenetic location: 13q31.1.
Variant type: single nucleotide variant.
Coding change: c.1267C>G on transcript NM_032229.3 (MANE Select); coding-DNA position 1267, C replaced by G.
Protein change: p.Leu423Val; replaces leucine 423 with valine.
Molecular consequence: missense variant.
Genome position (GRCh38, 1-based): chr13:85,795,242, G>C on the plus strand (C>G on the coding strand, the complement: SLITRK6 is on the minus strand). VCF-style: chr13-85795242-G-C. GRCh37 (hg19) VCF-style: chr13-86369377-G-C.
Other names: short protein forms L423V.
Identifiers: ClinVar variation 4982639 (VCV004982639.1).
Genomic context (GRCh38, chr13:85,795,242, plus strand): 5'-CAAGATATAAGTATTCAAGATTATGGAGACCAAGGAACATGCCTTTACTTAATTTGGTCA[G>C]GTGGTTACCATTTAGATAGAGTTTTTGTAATCTCGTTAGGTTCATAAACGATCCTTCTTC-3'
Protein context (NP_115605.2, residues 413-433): LQKLYLNGNH[Leu423Val]TKLSKGMFLG